The following is an entry in ClinVar:

ClinVar aggregate classification (germline): Uncertain significance (1 of 4 stars; one submission).

Conditions:
RASopathy. Also called: rasopathies; Noonan spectrum disorder. Identifiers: Orphanet 536391, MedGen C5555857, MONDO:0021060.

Submission:

Labcorp Genetics (formerly Invitae), Labcorp
Classification: Uncertain significance for RASopathy. Last evaluated: 2017-12-20. Review status: criteria provided, single submitter. Criteria: Invitae Variant Classification Sherloc (09022015). Collection method: clinical testing. Allele origin: germline.
Comment: This sequence change replaces aspartic acid with glycine at codon 90 of the CBL protein (p.Asp90Gly). The aspartic acid residue is highly conserved and there is a moderate physicochemical difference between aspartic acid and glycine. This variant is not present in population databases (ExAC no frequency). This variant has not been reported in the literature in individuals with CBL-related disease. Algorithms developed to predict the effect of missense changes on protein structure and function (SIFT, PolyPhen-2, Align-GVGD) all suggest that this variant is likely to be disruptive, but these predictions have not been confirmed by published functional studies and their clinical significance is uncertain. Algorithms developed to predict the effect of sequence changes on RNA splicing suggest that this variant may create or strengthen a splice site, but this prediction has not been confirmed by published transcriptional studies. In summary, the available evidence is currently insufficient to determine the role of this variant in disease. Therefore, it has been classified as a Variant of Uncertain Significance.

NM_005188.4(CBL):c.269A>G (p.Asp90Gly)

Gene: CBL (Cbl proto-oncogene; plus strand). Cytogenetic location: 11q23.3.
Variant type: single nucleotide variant.
Coding change: c.269A>G on transcript NM_005188.4 (MANE Select); coding-DNA position 269, A replaced by G.
Protein change: p.Asp90Gly; replaces aspartic acid 90 with glycine.
Molecular consequence: missense variant.
Genome position (GRCh38, 1-based): chr11:119,232,521, A>G. VCF-style: chr11-119232521-A-G. GRCh37 (hg19) VCF-style: chr11-119103231-A-G.
Other names: short protein forms D90G.
Identifiers: ClinVar variation 543976 (VCV000543976.1), dbSNP rs1555226661, ClinGen allele CA382894498.